The following is an entry in ClinVar:

NM_002225.5(IVD):c.726G>C (p.Lys242Asn)

Gene: IVD (isovaleryl-CoA dehydrogenase; plus strand). Cytogenetic location: 15q15.1.
Variant type: single nucleotide variant.
Coding change: c.726G>C on transcript NM_002225.5 (MANE Select); coding-DNA position 726, G replaced by C.
Protein change: p.Lys242Asn; replaces lysine 242 with asparagine.
Molecular consequence: missense variant. On other transcripts: non-coding transcript variant (1).
Genome position (GRCh38, 1-based): chr15:40,413,029, G>C. VCF-style: chr15-40413029-G-C. GRCh37 (hg19) VCF-style: chr15-40705228-G-C.
Other names: c.636G>C, p.Lys212Asn (NM_001159508.3); c.678G>C, p.Lys226Asn (NM_001354597.3); c.726G>C, p.Lys242Asn (NM_001354598.3, NM_001354601.3); c.813G>C, p.Lys271Asn (NM_001354599.3, NM_001354600.3); short protein forms K242N, K226N, K212N, K271N.
Identifiers: ClinVar variation 198479 (VCV000198479.8), dbSNP rs794727857, ClinGen allele CA247147.

ClinVar aggregate classification (germline): Uncertain significance. Review status: criteria provided, multiple submitters, no conflicts (2 of 4 stars). 2 submissions from 2 submitters: Uncertain significance (2). Last evaluated 2023-10-29.

Conditions:
Isovaleryl-CoA dehydrogenase deficiency (IVA). Also called: IVD DEFICIENCY; Isovaleric acidemia; Classic Isovaleric Acidemia; ISOVALERIC ACID CoA DEHYDROGENASE DEFICIENCY. Identifiers: Orphanet 33, MedGen C0268575, MONDO:0009475, OMIM 243500.

Allele frequency attached by ClinVar (database versions not stated): gnomAD exomes below 0.00001 and 0.00002; gnomAD 0.00001; TOPMed 0.00003.
gnomAD v4.1: 15 of 1,614,044 alleles (0.00093%); highest among the groups gnomAD compares: Admixed American, 0.0017%; no homozygotes.

Submissions (2):

Labcorp Genetics (formerly Invitae), Labcorp
Classification: Uncertain significance for Isovaleryl-CoA dehydrogenase deficiency. Last evaluated: 2023-10-29. Review status: criteria provided, single submitter. Criteria: Invitae Variant Classification Sherloc (09022015). Collection method: clinical testing. Allele origin: germline.
Comment: This sequence change replaces lysine, which is basic and polar, with asparagine, which is neutral and polar, at codon 245 of the IVD protein (p.Lys245Asn). This variant is present in population databases (rs794727857, gnomAD 0.008%). This variant has not been reported in the literature in individuals affected with IVD-related conditions. ClinVar contains an entry for this variant (Variation ID: 198479). An algorithm developed to predict the effect of missense changes on protein structure and function (PolyPhen-2) suggests that this variant is likely to be disruptive. In summary, the available evidence is currently insufficient to determine the role of this variant in disease. Therefore, it has been classified as a Variant of Uncertain Significance.

Eurofins Ntd Llc (ga)
Classification: Uncertain significance. Last evaluated: 2017-08-29. Review status: criteria provided, single submitter. Criteria: EGL Classification Definitions 2015. Collection method: clinical testing. Allele origin: germline. Observed: 2 variant alleles, 2 heterozygotes.